The following is an entry in ClinVar:

ClinVar aggregate classification (germline): Conflicting classifications of pathogenicity. Review status: criteria provided, conflicting classifications (1 of 4 stars). 8 submissions from 8 submitters: Uncertain significance (7); Likely benign (1). Last evaluated 2026-08-09.

Conditions:
Inborn genetic diseases. Identifiers: MedGen C0950123, MeSH D030342.
Congenital myopathy 18. Also called: Myopathy, congenital, due to dihydropyridine receptor defect; DIHYDROPYRIDINE RECEPTOR CONGENITAL MYOPATHY; DHPR CONGENITAL MYOPATHY. Identifiers: MedGen C5830283, MONDO:0859514, OMIM 620246.
Hypokalemic periodic paralysis, type 1. Also called: Hypokalemic Periodic Paralysis Type 1 (AD); HypoPP. Identifiers: Orphanet 681, MedGen C3714580, MONDO:0042979, OMIM 170400.
Malignant hyperthermia, susceptibility to, 5 (MHS5). Also called: CACNA1S-Related Malignant Hyperthermia Susceptibility. Identifiers: Orphanet 423, MedGen C1866077, MONDO:0011163, OMIM 601887.
Thyrotoxic periodic paralysis, susceptibility to, 1 (TTPP1). Identifiers: Orphanet 79102, MedGen C2749982, MONDO:0008570, OMIM 188580.

Allele frequency attached by ClinVar (database versions not stated): gnomAD exomes 0.00003 and 0.00012; gnomAD 0.00007 and 0.00008; ESP Exome Variant Server 0.00008; TOPMed 0.00011; ExAC 0.00013.
gnomAD v4.1: 55 of 1,612,574 alleles (0.0034%); highest among the groups gnomAD compares: Admixed American, 0.045%; no homozygotes.

Submissions (8):

GeneDx
Classification: Uncertain significance. Last evaluated: 2026-08-09. Review status: criteria provided, single submitter. Criteria: GeneDx Variant Classification Process June 2021. Collection method: clinical testing. Allele origin: germline.
Comment: In silico analysis supports that this missense variant has a deleterious effect on protein structure/function; Has not been previously published as pathogenic or benign to our knowledge

Labcorp Genetics (formerly Invitae), Labcorp
Classification: Likely benign for Hypokalemic periodic paralysis, type 1; Malignant hyperthermia, susceptibility to, 5. Last evaluated: 2026-01-26. Review status: criteria provided, single submitter. Criteria: Invitae Variant Classification Sherloc (09022015). Collection method: clinical testing. Allele origin: germline.

Revvity Omics, Revvity
Classification: Uncertain significance. Last evaluated: 2025-05-19. Review status: criteria provided, single submitter. Criteria: ACMG Guidelines, 2015. Collection method: clinical testing. Allele origin: germline.

All of Us Research Program, National Institutes of Health
Classification: Uncertain significance for Malignant hyperthermia, susceptibility to, 5. Last evaluated: 2024-09-23. Review status: criteria provided, single submitter. Criteria: ACMG Guidelines, 2015. Collection method: clinical testing. Allele origin: germline. Inheritance: Autosomal dominant inheritance. Observed: 22 variant alleles, 22 heterozygotes.
Comment: This missense variant replaces arginine with glutamine at codon 1560 of the CACNA1S protein. Computational prediction suggests that this variant may have deleterious impact on protein structure and function (internally defined REVEL score threshold >= 0.7, PMID: 27666373). To our knowledge, functional studies have not been reported for this variant. This variant has not been reported in individuals affected with CACNA1S-related disorders in the literature. This variant has been identified in 32/281792 chromosomes in the general population by the Genome Aggregation Database (gnomAD). The available evidence is insufficient to determine the role of this variant in disease conclusively. Therefore, this variant is classified as a Variant of Uncertain Significance.

This study involves interpretation of variants in research participants for the purpose of population health screening. Participant phenotype was not available at the time of variant classification. Additional details can be found in publication PMID: 35346344, PMCID: PMC8962531

Fulgent Genetics
Classification: Uncertain significance for Hypokalemic periodic paralysis, type 1; Thyrotoxic periodic paralysis, susceptibility to, 1; Malignant hyperthermia, susceptibility to, 5; Congenital myopathy 18. Last evaluated: 2024-05-14. Review status: criteria provided, single submitter. Criteria: ACMG Guidelines, 2015. Collection method: clinical testing. Allele origin: germline.

Ambry Genetics
Classification: Uncertain significance for Inborn genetic diseases. Last evaluated: 2024-04-04. Review status: criteria provided, single submitter. Criteria: Ambry Variant Classification Scheme 2023. Collection method: clinical testing. Allele origin: germline.

Color Diagnostics, LLC DBA Color Health
Classification: Uncertain significance for Malignant hyperthermia, susceptibility to, 5. Last evaluated: 2023-11-08. Review status: criteria provided, single submitter. Criteria: ACMG Guidelines, 2015. Collection method: clinical testing. Allele origin: germline.
Comment: This missense variant replaces arginine with glutamine at codon 1560 of the CACNA1S protein. Computational prediction suggests that this variant may have deleterious impact on protein structure and function. To our knowledge, functional studies have not been reported for this variant. This variant has not been reported in individuals affected with CACNA1S-related disorders in the literature. This variant has been identified in 32/281792 chromosomes in the general population by the Genome Aggregation Database (gnomAD). The available evidence is insufficient to determine the role of this variant in disease conclusively. Therefore, this variant is classified as a Variant of Uncertain Significance.

CeGaT Center for Human Genetics Tuebingen
Classification: Uncertain significance. Last evaluated: 2020-01-01. Review status: criteria provided, single submitter. Criteria: CeGaT Center For Human Genetics Tuebingen Variant Classification Criteria Version 2. Collection method: clinical testing. Allele origin: germline. Affected: yes. Observed: 1 variant allele.

NM_000069.3(CACNA1S):c.4679G>A (p.Arg1560Gln)

Gene: CACNA1S (calcium voltage-gated channel subunit alpha1 S; minus strand). Cytogenetic location: 1q32.1.
Variant type: single nucleotide variant.
Coding change: c.4679G>A on transcript NM_000069.3 (MANE Select); coding-DNA position 4679, G replaced by A.
Protein change: p.Arg1560Gln; replaces arginine 1560 with glutamine.
Molecular consequence: missense variant.
Genome position (GRCh38, 1-based): chr1:201,044,446, C>T on the plus strand (G>A on the coding strand, the complement: CACNA1S is on the minus strand). VCF-style: chr1-201044446-C-T. GRCh37 (hg19) VCF-style: chr1-201013574-C-T.
Other names: short protein forms R1560Q.
Identifiers: ClinVar variation 872035 (VCV000872035.58), dbSNP rs372436488, ClinGen allele CA083530.
Genomic context (GRCh38, chr1:201,044,446, plus strand): 5'-GCAGCCAGGTCTCCTGAGACCGTGCGACAGATCTCGGGGGCTGCCTCTTCCTCAATGGTC[C>T]GCAGCCCTGCCTGGGGATGACGAAGGGACTCAGTTATCTCTCCAGCCCAGGAGAGGAGAC-3'
Protein context (NP_000060.2, residues 1550-1570): KDIVQIQAGL[Arg1560Gln]TIEEEAAPEI